The following is an entry in ClinVar:

NM_001377.3(DYNC2H1):c.1637T>C (p.Leu546Ser)

Gene: DYNC2H1 (dynein cytoplasmic 2 heavy chain 1; plus strand). Cytogenetic location: 11q22.3.
Variant type: single nucleotide variant.
Coding change: c.1637T>C on transcript NM_001377.3 (MANE Select); coding-DNA position 1637, T replaced by C.
Protein change: p.Leu546Ser; replaces leucine 546 with serine.
Molecular consequence: missense variant.
Genome position (GRCh38, 1-based): chr11:103,122,976, T>C. VCF-style: chr11-103122976-T-C. GRCh37 (hg19) VCF-style: chr11-102993705-T-C.
Other names: c.1637T>C, p.Leu546Ser (NM_001080463.2); short protein forms L546S.
Identifiers: ClinVar variation 4704253 (VCV004704253.1).

ClinVar aggregate classification (germline): Uncertain significance (1 of 4 stars; one submission).

Conditions:
Jeune thoracic dystrophy. Also called: Short-rib thoracic dysplasia; Jeune syndrome; Infantile thoracic dystrophy; Thoracic pelvic phalangeal dystrophy; Jeune's syndrome; Chondroectodermal dysplasia-like syndrome. Identifiers: Orphanet 474, MedGen C0265275, MONDO:0018770.

gnomAD v4.1: 1 of 1,549,914 alleles (0.000065%); highest among the groups gnomAD compares: Non-Finnish European, 0.000088%; no homozygotes.

Submission:

Labcorp Genetics (formerly Invitae), Labcorp
Classification: Uncertain significance for Jeune thoracic dystrophy. Last evaluated: 2025-06-04. Review status: criteria provided, single submitter. Criteria: Invitae Variant Classification Sherloc (09022015). Collection method: clinical testing. Allele origin: germline.
Comment: This sequence change replaces leucine, which is neutral and non-polar, with serine, which is neutral and polar, at codon 546 of the DYNC2H1 protein (p.Leu546Ser). This variant is present in population databases (no rsID available, gnomAD 0.007%). This variant has not been reported in the literature in individuals affected with DYNC2H1-related conditions. Invitae Evidence Modeling of protein sequence and biophysical properties (such as structural, functional, and spatial information, amino acid conservation, physicochemical variation, residue mobility, and thermodynamic stability) indicates that this missense variant is expected to disrupt DYNC2H1 protein function with a positive predictive value of 95%. In summary, the available evidence is currently insufficient to determine the role of this variant in disease. Therefore, it has been classified as a Variant of Uncertain Significance.